The following is an entry in ClinVar:

ClinVar aggregate classification (germline): Uncertain significance. Review status: criteria provided, multiple submitters, no conflicts (2 of 4 stars). 4 submissions from 4 submitters: Uncertain significance (4). Last evaluated 2022-11-09.

Conditions:
Idiopathic generalized epilepsy. Also called: Generalised epilepsy; EIG. Identifiers: MedGen C0270850, MONDO:0005579, OMIM 600669.
Hyperaldosteronism, familial, type IV (HALD4). Also called: FH IV; ALDOSTERONISM, PRIMARY, AND HYPERTENSION. Identifiers: Orphanet 642671, MedGen C4310756, MONDO:0014875, OMIM 617027.
Epilepsy, childhood absence, susceptibility to, 6. Identifiers: Orphanet 64280, MedGen C2749872, MONDO:0012763, OMIM 611942.
Inborn genetic diseases. Identifiers: MedGen C0950123, MeSH D030342.

Allele frequency attached by ClinVar (database versions not stated): gnomAD 0.00001 and 0.00003; gnomAD exomes 0.00002 and 0.00003; TOPMed 0.00002; ExAC 0.00003.
gnomAD v4.1: 50 of 1,611,852 alleles (0.0031%); highest among the groups gnomAD compares: Middle Eastern, 0.017%; no homozygotes.

Submissions (4):

Ambry Genetics
Classification: Uncertain significance for Inborn genetic diseases. Last evaluated: 2022-11-09. Review status: criteria provided, single submitter. Criteria: Ambry Variant Classification Scheme 2023. Collection method: clinical testing. Allele origin: germline.

Fulgent Genetics
Classification: Uncertain significance for Epilepsy, childhood absence, susceptibility to, 6; Hyperaldosteronism, familial, type IV. Last evaluated: 2022-03-28. Review status: criteria provided, single submitter. Criteria: ACMG Guidelines, 2015. Collection method: clinical testing. Allele origin: unknown.

GeneDx
Classification: Uncertain significance. Last evaluated: 2021-05-29. Review status: criteria provided, single submitter. Criteria: GeneDx Variant Classification Process June 2021. Collection method: clinical testing. Allele origin: germline. Affected: yes.
Comment: In silico analysis supports that this missense variant has a deleterious effect on protein structure/function; Has not been previously published as pathogenic or benign to our knowledge; This variant is associated with the following publications: (PMID: 27535533)

Labcorp Genetics (formerly Invitae), Labcorp
Classification: Uncertain significance for Idiopathic generalized epilepsy; Hyperaldosteronism, familial, type IV. Last evaluated: 2020-11-26. Review status: criteria provided, single submitter. Criteria: Invitae Variant Classification Sherloc (09022015). Collection method: clinical testing. Allele origin: germline.
Comment: This sequence change replaces arginine with tryptophan at codon 1571 of the CACNA1H protein (p.Arg1571Trp). The arginine residue is highly conserved and there is a moderate physicochemical difference between arginine and tryptophan. This variant is present in population databases (rs58725680, ExAC 0.05%). In summary, the available evidence is currently insufficient to determine the role of this variant in disease. Therefore, it has been classified as a Variant of Uncertain Significance. Advanced modeling of protein sequence and biophysical properties (such as structural, functional, and spatial information, amino acid conservation, physicochemical variation, residue mobility, and thermodynamic stability) performed at Invitae indicates that this missense variant is not expected to disrupt CACNA1H protein function. This variant has not been reported in the literature in individuals with CACNA1H-related conditions.

NM_021098.3(CACNA1H):c.4711C>T (p.Arg1571Trp)

Gene: CACNA1H (calcium voltage-gated channel subunit alpha1 H; plus strand). Cytogenetic location: 16p13.3.
Variant type: single nucleotide variant.
Coding change: c.4711C>T on transcript NM_021098.3 (MANE Select); coding-DNA position 4711, C replaced by T.
Protein change: p.Arg1571Trp; replaces arginine 1571 with tryptophan.
Molecular consequence: missense variant.
Genome position (GRCh38, 1-based): chr16:1,212,090, C>T. VCF-style: chr16-1212090-C-T. GRCh37 (hg19) VCF-style: chr16-1262090-C-T.
Other names: c.4711C>T, p.Arg1571Trp (NM_001005407.2); short protein forms R1571W.
Identifiers: ClinVar variation 1326730 (VCV001326730.11), dbSNP rs58725680, ClinGen allele CA7801495.